The following is an entry in ClinVar:

ClinVar aggregate classification (germline): Conflicting classifications of pathogenicity. Review status: criteria provided, conflicting classifications (1 of 4 stars). 8 submissions from 8 submitters: Uncertain significance (6); Likely benign (1). 1 of the submissions does not count toward it. Last evaluated 2025-12-19.

Conditions:
KIF1A-related disorder. Also called: KIF1A-related disorders; KIF1A-related condition.
Inborn genetic diseases. Identifiers: MedGen C0950123, MeSH D030342.
Neuropathy, hereditary sensory, type 2C. Also called: Hereditary sensory and autonomic neuropathy type IIC; KIF1A-Related HSAN2 (HSAN2C). Identifiers: Orphanet 970, MedGen C3280168, MONDO:0013634, OMIM 614213.
Intellectual disability, autosomal dominant 9 (NESCAVS). Also called: NESCAV SYNDROME; KIF1A-Related Neurodevelopmental Disorder. Identifiers: Orphanet 662367, MedGen C5393830, MONDO:0013656, OMIM 614255.
Hereditary spastic paraplegia 30. Identifiers: Orphanet 101010, MedGen C5235139, MONDO:0012476.
Intellectual disability. Also called: Intellectual functioning disability; intellectual disabilities; Intellectual developmental disorder. Identifiers: MedGen C3714756, MeSH D008607, MONDO:0001071, HP:0001249.

Allele frequency attached by ClinVar (database versions not stated): gnomAD 0.00011 and 0.00014; TOPMed 0.00027.
gnomAD v4.1: 34 of 1,609,968 alleles (0.0021%); highest among the groups gnomAD compares: Admixed American, 0.027%; no homozygotes.

Submissions (8):

PreventionGenetics, part of Exact Sciences
Classification: Uncertain significance for KIF1A-related condition. Last evaluated: 2025-12-19. Review status: criteria provided, single submitter. Criteria: ACMG Guidelines, 2015. Collection method: clinical testing. Allele origin: germline.
Comment: The KIF1A c.2132G>A variant is predicted to result in the amino acid substitution p.Arg711Gln. To our knowledge, this variant has not been reported in the literature. This variant is reported in 0.0051% of alleles in individuals of East Asian descent in gnomAD. At this time, the clinical significance of this variant is uncertain due to the absence of conclusive functional and genetic evidence.

Labcorp Genetics (formerly Invitae), Labcorp
Classification: Likely benign for Hereditary spastic paraplegia 30; Neuropathy, hereditary sensory, type 2C; Intellectual disability, autosomal dominant 9. Last evaluated: 2025-10-15. Review status: criteria provided, single submitter. Criteria: Invitae Variant Classification Sherloc (09022015). Collection method: clinical testing. Allele origin: germline.

ARUP Laboratories, Molecular Genetics and Genomics, ARUP Laboratories
Classification: Uncertain significance. Last evaluated: 2025-07-09. Review status: criteria provided, single submitter. Criteria: ARUP Molecular Germline Variant Investigation Process 2024. Collection method: clinical testing. Allele origin: germline.
Comment: The KIF1A c.2105G>A; p.Arg702Gln variant (rs774604596), to our knowledge, is not reported in the medical literature but is reported in ClinVar (Variation ID: 211277). This variant is found in the general population with an overall allele frequency of 0.002% (5/277,234 alleles) in the Genome Aggregation Database (v2.1.1). Computational analyses are uncertain whether this variant is neutral or deleterious (REVEL: 0.167). Due to limited information, the clinical significance of this variant is uncertain at this time.

Ambry Genetics
Classification: Uncertain significance for Inborn genetic diseases. Last evaluated: 2022-08-22. Review status: criteria provided, single submitter. Criteria: Ambry Variant Classification Scheme 2023. Collection method: clinical testing. Allele origin: germline.

New York Genome Center
Classification: Uncertain significance for Intellectual disability, autosomal dominant 9. Last evaluated: 2021-05-07. Review status: criteria provided, single submitter. Criteria: NYGC Assertion Criteria 2020. Collection method: clinical testing. Allele origin: germline. Observed: 1 heterozygote. Study: CSER-NYCKidSeq.

Revvity Omics, Revvity
Classification: Uncertain significance. Last evaluated: 2020-07-23. Review status: criteria provided, single submitter. Criteria: ACMG Guidelines, 2015. Collection method: clinical testing. Allele origin: germline.

Genetic Services Laboratory, University of Chicago
Classification: Uncertain significance. Last evaluated: 2015-06-04. Review status: criteria provided, single submitter. Criteria: ACMG Guidelines, 2015. Collection method: clinical testing. Allele origin: germline.

Centre de Biologie Pathologie Génétique, Centre Hospitalier Universitaire de Lille
Classification: Uncertain significance for Intellectual disability. Last evaluated: 2019-01-01. Review status: no assertion criteria provided. Collection method: clinical testing. Allele origin: unknown. Affected: yes. Not counted in ClinVar's aggregate classification.

NM_001244008.2(KIF1A):c.2132G>A (p.Arg711Gln)

Gene: KIF1A (kinesin family member 1A; minus strand). Cytogenetic location: 2q37.3.
Variant type: single nucleotide variant.
Coding change: c.2132G>A on transcript NM_001244008.2 (MANE Select); coding-DNA position 2132, G replaced by A.
Protein change: p.Arg711Gln; replaces arginine 711 with glutamine.
Molecular consequence: missense variant.
Genome position (GRCh38, 1-based): chr2:240,761,362, C>T on the plus strand (G>A on the coding strand, the complement: KIF1A is on the minus strand). VCF-style: chr2-240761362-C-T. GRCh37 (hg19) VCF-style: chr2-241700779-C-T.
Other names: c.2105G>A (NM_004321.6); c.2132G>A, p.Arg711Gln (NM_001320705.2, NM_001330289.2, NM_001379638.1); c.2207G>A, p.Arg736Gln (NM_001330290.2, NM_001379631.1, NM_001379634.1 and 2 more transcripts); c.2105G>A, p.Arg702Gln (NM_001379632.1, NM_001379633.1, NM_001379636.1 and 10 more transcripts); c.2180G>A, p.Arg727Gln (NM_001379637.1, NM_001379648.1); short protein forms R702Q, R711Q, R736Q, R727Q.
Identifiers: ClinVar variation 211277 (VCV000211277.22), dbSNP rs774604596, ClinGen allele CA206597.
Genomic context (GRCh38, chr2:240,761,362, plus strand): 5'-AGAGACGTGAACTGGTACCACTTCCACTTCCGGAAGGCCCAGAGCGCCAGCTCACACTCC[C>T]GCTCTGTCCACTGGACTGTGGGGAGAGGTCACACGTGGTCATCGCAGGAAGGCCATGACC-3'
Protein context (NP_001230937.1, residues 701-721): EPEDEVQWTE[Arg711Gln]ECELALWAFR